The following is an entry in ClinVar:

ClinVar aggregate classification (germline): Uncertain significance (1 of 4 stars; one submission).

Submission:

Labcorp Genetics (formerly Invitae), Labcorp
Classification: Uncertain significance. Last evaluated: 2023-11-15. Review status: criteria provided, single submitter. Criteria: Invitae Variant Classification Sherloc (09022015). Collection method: clinical testing. Allele origin: germline.
Comment: This sequence change replaces glutamic acid, which is acidic and polar, with glutamine, which is neutral and polar, at codon 68 of the ASXL1 protein (p.Glu68Gln). This variant is not present in population databases (gnomAD no frequency). This variant has not been reported in the literature in individuals affected with ASXL1-related conditions. An algorithm developed to predict the effect of missense changes on protein structure and function (PolyPhen-2) suggests that this variant is likely to be disruptive. In summary, the available evidence is currently insufficient to determine the role of this variant in disease. Therefore, it has been classified as a Variant of Uncertain Significance.

NM_015338.6(ASXL1):c.202G>C (p.Glu68Gln)

Gene: ASXL1 (ASXL transcriptional regulator 1; plus strand). Cytogenetic location: 20q11.21.
Variant type: single nucleotide variant.
Coding change: c.202G>C on transcript NM_015338.6 (MANE Select); coding-DNA position 202, G replaced by C.
Protein change: p.Glu68Gln; replaces glutamic acid 68 with glutamine.
Molecular consequence: missense variant.
Genome position (GRCh38, 1-based): chr20:32,369,073, G>C. VCF-style: chr20-32369073-G-C. GRCh37 (hg19) VCF-style: chr20-30956876-G-C.
Other names: c.202G>C, p.Glu68Gln (NM_001164603.1); c.172G>C, p.Glu58Gln (NM_001363734.1); short protein forms E68Q, E58Q.
Identifiers: ClinVar variation 2754446 (VCV002754446.3), dbSNP rs2048253437, ClinGen allele CA408579673.